The following is an entry in ClinVar:

ClinVar aggregate classification (germline): Uncertain significance (1 of 4 stars; one submission).

Conditions:
Familial sleep-related hypermotor epilepsy. Also called: Autosomal Dominant Sleep-Related Hypermotor (Hyperkinetic) Epilepsy. Identifiers: Orphanet 98784, MedGen C3696898, MONDO:0000030.

Submission:

Labcorp Genetics (formerly Invitae), Labcorp
Classification: Uncertain significance. Last evaluated: 2024-02-17. Review status: criteria provided, single submitter. Criteria: Invitae Variant Classification Sherloc (09022015). Collection method: clinical testing. Allele origin: germline.
Comment: This sequence change replaces proline, which is neutral and non-polar, with alanine, which is neutral and non-polar, at codon 392 of the CHRNA2 protein (p.Pro392Ala). This variant is not present in population databases (gnomAD no frequency). This variant has not been reported in the literature in individuals affected with CHRNA2-related conditions. ClinVar contains an entry for this variant (Variation ID: 1524032). Advanced modeling of protein sequence and biophysical properties (such as structural, functional, and spatial information, amino acid conservation, physicochemical variation, residue mobility, and thermodynamic stability) performed at Invitae indicates that this missense variant is not expected to disrupt CHRNA2 protein function with a negative predictive value of 95%. In summary, the available evidence is currently insufficient to determine the role of this variant in disease. Therefore, it has been classified as a Variant of Uncertain Significance.

NM_000742.4(CHRNA2):c.1174C>G (p.Pro392Ala)

Gene: CHRNA2 (cholinergic receptor nicotinic alpha 2 subunit; minus strand). Cytogenetic location: 8p21.2.
Variant type: single nucleotide variant.
Coding change: c.1174C>G on transcript NM_000742.4 (MANE Select); coding-DNA position 1174, C replaced by G.
Protein change: p.Pro392Ala; replaces proline 392 with alanine.
Molecular consequence: missense variant.
Genome position (GRCh38, 1-based): chr8:27,463,269, G>C on the plus strand (C>G on the coding strand, the complement: CHRNA2 is on the minus strand). VCF-style: chr8-27463269-G-C. GRCh37 (hg19) VCF-style: chr8-27320786-G-C.
Other names: c.1129C>G, p.Pro377Ala (NM_001282455.2); c.697C>G, p.Pro233Ala (NM_001347705.2, NM_001347706.2); c.580C>G, p.Pro194Ala (NM_001347707.2, NM_001347708.2); short protein forms P377A, P392A, P233A, P194A.
Identifiers: ClinVar variation 1524032 (VCV001524032.8), dbSNP rs762406891, ClinGen allele CA370809278.
Genomic context (GRCh38, chr8:27,463,269, plus strand): 5'-CCTCGGCATCCACGTTGCTCTCCAGCCAGTGATAAGAGGGGCTGAGCTTCAGGCGTAGGG[G>C]GTGGCAGAGCTCCACGGGTGGTGGGGGCCGGTTCATCAGAAGCCACCGGGGCACACAGCC-3'
Protein context (NP_000733.2, residues 382-402): RPPPPVELCH[Pro392Ala]LRLKLSPSYH